The following is an entry in ClinVar:

ClinVar aggregate classification (germline): Uncertain significance (1 of 4 stars; one submission).

Allele frequency attached by ClinVar (database versions not stated): gnomAD exomes below 0.00001.
gnomAD v4.1: 1 of 1,609,244 alleles (0.000062%); highest among the groups gnomAD compares: Non-Finnish European, 0.000085%; no homozygotes.

Submission:

Labcorp Genetics (formerly Invitae), Labcorp
Classification: Uncertain significance. Last evaluated: 2022-07-11. Review status: criteria provided, single submitter. Criteria: Invitae Variant Classification Sherloc (09022015). Collection method: clinical testing. Allele origin: germline.
Comment: This sequence change replaces phenylalanine, which is neutral and non-polar, with leucine, which is neutral and non-polar, at codon 1561 of the CACNA1B protein (p.Phe1561Leu). This variant is not present in population databases (gnomAD no frequency). This variant has not been reported in the literature in individuals affected with CACNA1B-related conditions. Advanced modeling of protein sequence and biophysical properties (such as structural, functional, and spatial information, amino acid conservation, physicochemical variation, residue mobility, and thermodynamic stability) performed at Invitae indicates that this missense variant is not expected to disrupt CACNA1B protein function. In summary, the available evidence is currently insufficient to determine the role of this variant in disease. Therefore, it has been classified as a Variant of Uncertain Significance.

NM_000718.4(CACNA1B):c.4683C>A (p.Phe1561Leu)

Gene: CACNA1B (calcium voltage-gated channel subunit alpha1 B; plus strand). Cytogenetic location: 9q34.3.
Variant type: single nucleotide variant.
Coding change: c.4683C>A on transcript NM_000718.4 (MANE Select); coding-DNA position 4683, C replaced by A.
Protein change: p.Phe1561Leu; replaces phenylalanine 1561 with leucine.
Molecular consequence: missense variant.
Genome position (GRCh38, 1-based): chr9:138,073,496, C>A. VCF-style: chr9-138073496-C-A. GRCh37 (hg19) VCF-style: chr9-140967948-C-A.
Other names: c.4683C>A, p.Phe1561Leu (NM_001243812.2); short protein forms F1561L.
Identifiers: ClinVar variation 1915056 (VCV001915056.2), dbSNP rs2131313163, ClinGen allele CA375818182.
Genomic context (GRCh38, chr9:138,073,496, plus strand): 5'-CCTGCGCTTTCGGGGCTTCTGAAGGTCAGAGAACAATTCCTCTTCTCTGCAGAACAATTT[C>A]ATCAACCTCAGCTTCCTCCGCCTCTTTCGAGCTGCGCGGCTGATCAAGCTGCTCCGCCAG-3'
Protein context (NP_000709.1, residues 1551-1571): LVTEIAETNN[Phe1561Leu]INLSFLRLFR